The following is an entry in ClinVar:

ClinVar aggregate classification (germline): Pathogenic. Review status: reviewed by expert panel (3 of 4 stars). 3 submissions from 3 submitters: Pathogenic (1). 2 of the submissions do not count toward it. Last evaluated 2016-10-18.

Conditions:
Hereditary cancer-predisposing syndrome. Also called: Tumor predisposition; Neoplastic Syndromes, Hereditary; Hereditary neoplastic syndrome; Hereditary Cancer Syndrome. Identifiers: Orphanet 140162, MedGen C0027672, MeSH D009386, MONDO:0015356.
Breast-ovarian cancer, familial, susceptibility to, 2 (BROVCA2). Also called: BRCA2 Hereditary Breast and Ovarian Cancer. Identifiers: Orphanet 145, MedGen C2675520, MONDO:0012933, OMIM 612555. Disease mechanism: loss of function.

Submissions (3):

Evidence-based Network for the Interpretation of Germline Mutant Alleles (ENIGMA)
Classification: Pathogenic for Breast-ovarian cancer, familial, susceptibility to, 2. Last evaluated: 2016-10-18. Review status: reviewed by expert panel. Criteria: ENIGMA BRCA1/2 Classification Criteria (2015). Collection method: curation. Allele origin: germline.
Comment: Variant allele predicted to encode a truncated non-functional protein.

Ambry Genetics
Classification: Pathogenic for Hereditary cancer-predisposing syndrome. Last evaluated: 2023-03-03. Review status: criteria provided, single submitter. Criteria: Ambry Variant Classification Scheme 2023. Collection method: clinical testing. Allele origin: germline. Not counted in ClinVar's aggregate classification.
Comment: The c.1433_1434delCA pathogenic mutation, located in coding exon 9 of the BRCA2 gene, results from a deletion of two nucleotides at nucleotide positions 1433 to 1434, causing a translational frameshift with a predicted alternate stop codon (p.T478Rfs*35). This variant is considered to be rare based on population cohorts in the Genome Aggregation Database (gnomAD). This alteration is expected to result in loss of function by premature protein truncation or nonsense-mediated mRNA decay. As such, this alteration is interpreted as a disease-causing mutation.

Quest Diagnostics Nichols Institute San Juan Capistrano
Classification: Pathogenic. Last evaluated: 2018-12-06. Review status: criteria provided, single submitter. Criteria: Quest Diagnostics criteria. Collection method: clinical testing. Allele origin: germline. Not counted in ClinVar's aggregate classification.
Comment: The variant results in a shift of the reading frame, and is therefore predicted to result in the loss of a functional protein. Found in at least one symptomatic patient, and not found in general population data.

NM_000059.4(BRCA2):c.1433_1434del (p.Thr478fs)

Gene: BRCA2 (BRCA2 DNA repair associated; plus strand). Cytogenetic location: 13q13.1.
Variant type: Deletion.
Coding change: c.1433_1434del on transcript NM_000059.4 (MANE Select); coding-DNA positions 1433 to 1434, 2 bases deleted (CA; older notation c.1433_1434delCA).
Protein change: p.Thr478fs; shifts the reading frame from threonine 478.
Molecular consequence: frameshift variant.
Genome position (GRCh38, 1-based): chr13:32,332,911-32,332,912, CA deleted; deleting any 2 consecutive bases within chr13:32,332,910-32,332,912 gives the same sequence; the c. name uses the placement nearest the transcript's 3' end. VCF-style (leftmost placement, unchanged base first): chr13-32332909-TAC-T. GRCh37 (hg19) VCF-style: chr13-32907046-TAC-T.
Other names: 1659delAC; c.1433_1434delCA (NM_000059.3); short protein forms T478fs.
Identifiers: ClinVar variation 266634 (VCV000266634.6), dbSNP rs886040365, ClinGen allele CA10589093.